The following is an entry in ClinVar:

NM_000043.6(FAS):c.778G>A (p.Asp260Asn)

Gene: FAS (Fas cell surface death receptor; plus strand). Cytogenetic location: 10q23.31.
Variant type: single nucleotide variant.
Coding change: c.778G>A on transcript NM_000043.6 (MANE Select); coding-DNA position 778, G replaced by A.
Protein change: p.Asp260Asn; replaces aspartic acid 260 with asparagine.
Molecular consequence: missense variant. On other transcripts: 3 prime UTR variant (2), non-coding transcript variant (7).
Genome position (GRCh38, 1-based): chr10:89,014,220, G>A. VCF-style: chr10-89014220-G-A. GRCh37 (hg19) VCF-style: chr10-90773977-G-A.
Other names: c.*101G>A (NM_001320619.2); c.715G>A, p.Asp239Asn (NM_152871.4); c.*90G>A (NM_152872.4); short protein forms D239N, D260N.
Identifiers: ClinVar variation 1067934 (VCV001067934.11), dbSNP rs121913086, ClinGen allele CA377509788.
Genomic context (GRCh38, chr10:89,014,220, plus strand): 5'-ATGACACTAAGTCAAGTTAAAGGCTTTGTTCGAAAGAATGGTGTCAATGAAGCCAAAATA[G>A]ATGAGATCAAGAATGACAATGTCCAAGACACAGCAGAACAGAAAGTTCAACTGCTTCGTA-3'
Protein context (NP_000034.1, residues 250-270): RKNGVNEAKI[Asp260Asn]EIKNDNVQDT

ClinVar aggregate classification (germline): Pathogenic. Review status: criteria provided, multiple submitters, no conflicts (2 of 4 stars). 2 submissions from 2 submitters: Pathogenic (2). Last evaluated 2025-10-06.

Conditions:
Autoimmune lymphoproliferative syndrome type 1. Also called: AUTOIMMUNE LYMPHOPROLIFERATIVE SYNDROME, TYPE I, AUTOSOMAL DOMINANT. Identifiers: Orphanet 3261, MedGen C2717884, MONDO:0011158, OMIM 601859.

Submissions (2):

Labcorp Genetics (formerly Invitae), Labcorp
Classification: Pathogenic for Autoimmune lymphoproliferative syndrome. Last evaluated: 2025-10-06. Review status: criteria provided, single submitter. Criteria: Invitae Variant Classification Sherloc (09022015). Collection method: clinical testing. Allele origin: germline.
Comment: This sequence change replaces aspartic acid, which is acidic and polar, with asparagine, which is neutral and polar, at codon 260 of the FAS protein (p.Asp260Asn). This variant is not present in population databases (gnomAD no frequency). This missense change has been observed in individuals with autoimmune lymphoproliferative syndrome (PMID: 18223337, 21490157; internal data). This variant is also known as p.Asp244Asn. ClinVar contains an entry for this variant (Variation ID: 1067934). Invitae Evidence Modeling of protein sequence and biophysical properties (such as structural, functional, and spatial information, amino acid conservation, physicochemical variation, residue mobility, and thermodynamic stability) indicates that this missense variant is expected to disrupt FAS protein function with a positive predictive value of 95%. This variant disrupts the p.Asp260 amino acid residue in FAS. Other variant(s) that disrupt this residue have been determined to be pathogenic (PMID: 9821419, 20935634). This suggests that this residue is clinically significant, and that variants that disrupt this residue are likely to be disease-causing. For these reasons, this variant has been classified as Pathogenic.

GeneDx
Classification: Pathogenic. Last evaluated: 2020-09-29. Review status: criteria provided, single submitter. Criteria: GeneDx Variant Classification Process June 2021. Collection method: clinical testing. Allele origin: germline. Affected: yes.
Comment: Published functional studies demonstrate a damaging effect by showing significant resistance to FAS-mediated cell death when compared with control and a reduced relative intensity in FADD and caspase-8 compared to control (Kuehn et al., 2011); Not observed in large population cohorts (Lek et al., 2016); In silico analysis, which includes protein predictors and evolutionary conservation, supports a deleterious effect; This variant is associated with the following publications: (PMID: 18223337, 21490157)

Literature cited by the submitters: PubMed 18223337 (cited by Labcorp Genetics (formerly Invitae), Labcorp); PubMed 21490157 (cited by Labcorp Genetics (formerly Invitae), Labcorp); PubMed 9821419 (cited by Labcorp Genetics (formerly Invitae), Labcorp); PubMed 20935634 (cited by Labcorp Genetics (formerly Invitae), Labcorp).